The following is an entry in ClinVar:

NM_003482.4(KMT2D):c.14726del (p.Pro4909fs)

Gene: KMT2D (lysine methyltransferase 2D; minus strand). Cytogenetic location: 12q13.12.
Variant type: Deletion.
Coding change: c.14726del on transcript NM_003482.4 (MANE Select); coding-DNA position 14726, one base deleted (C; older notation c.14726delC).
Protein change: p.Pro4909fs; shifts the reading frame from proline 4909.
Molecular consequence: frameshift variant.
Genome position (GRCh38, 1-based): chr12:49,027,240, G deleted on the plus strand (C on the coding strand, the reverse complement: KMT2D is on the minus strand); the first of 4 consecutive G bases (chr12:49,027,240-49,027,243); deleting any one gives the same sequence. VCF-style (leftmost placement, unchanged base first): chr12-49027239-TG-T. GRCh37 (hg19) VCF-style: chr12-49421022-TG-T.
Other names: short protein forms P4909fs.
Identifiers: ClinVar variation 2102750 (VCV002102750.4), dbSNP rs2499039928, ClinGen allele CA2580085728.

ClinVar aggregate classification (germline): Pathogenic (1 of 4 stars; one submission).

Conditions:
Kabuki syndrome. Also called: Kabuki make-up syndrome; NIIKAWA-KUROKI SYNDROME. Identifiers: Orphanet 2322, MedGen C0796004, MONDO:0016512.

Submission:

Labcorp Genetics (formerly Invitae), Labcorp
Classification: Pathogenic for Kabuki syndrome. Last evaluated: 2022-02-23. Review status: criteria provided, single submitter. Criteria: Invitae Variant Classification Sherloc (09022015). Collection method: clinical testing. Allele origin: germline.
Comment: This sequence change creates a premature translational stop signal (p.Pro4909Hisfs*86) in the KMT2D gene. It is expected to result in an absent or disrupted protein product. Loss-of-function variants in KMT2D are known to be pathogenic (PMID: 22126750). For these reasons, this variant has been classified as Pathogenic. This variant has not been reported in the literature in individuals affected with KMT2D-related conditions. This variant is not present in population databases (gnomAD no frequency).

Literature cited by the submitters: PubMed 22126750.